The following is an entry in ClinVar:

ClinVar aggregate classification (germline): Uncertain significance (1 of 4 stars; one submission).

Conditions:
Neuropathy, hereditary sensory, type 1F. Also called: HSN IF; Hereditary sensory neuropathy type IF. Identifiers: Orphanet 36386, MedGen C3810194, MONDO:0014286, OMIM 615632.

Submission:

Labcorp Genetics (formerly Invitae), Labcorp
Classification: Uncertain significance for Neuropathy, hereditary sensory, type 1F. Last evaluated: 2023-03-03. Review status: criteria provided, single submitter. Criteria: Invitae Variant Classification Sherloc (09022015). Collection method: clinical testing. Allele origin: germline.
Comment: This variant has not been reported in the literature in individuals affected with ATL3-related conditions. In summary, the available evidence is currently insufficient to determine the role of this variant in disease. Therefore, it has been classified as a Variant of Uncertain Significance. This variant is not present in population databases (gnomAD no frequency). This sequence change creates a premature translational stop signal (p.Ile76Hisfs*23) in the ATL3 gene. It is expected to result in an absent or disrupted protein product. However, the current clinical and genetic evidence is not sufficient to establish whether loss-of-function variants in ATL3 cause disease.

NM_015459.5(ATL3):c.225dup (p.Ile76fs)

Gene: ATL3 (atlastin GTPase 3; minus strand). Cytogenetic location: 11q13.1.
Variant type: Duplication.
Coding change: c.225dup on transcript NM_015459.5 (MANE Select); coding-DNA position 225, one base duplicated (C; older notation c.225dupC).
Protein change: p.Ile76fs; shifts the reading frame from isoleucine 76.
Molecular consequence: frameshift variant.
Genome position (GRCh38, 1-based): chr11:63,659,074, G duplicated on the plus strand (C on the coding strand, the reverse complement: ATL3 is on the minus strand). VCF-style (leftmost placement, unchanged base first): chr11-63659073-T-TG. GRCh37 (hg19) VCF-style: chr11-63426545-T-TG.
Other names: c.171dup, p.Ile58fs (NM_001290048.2); short protein forms I76fs, I58fs.
Identifiers: ClinVar variation 2841874 (VCV002841874.3), dbSNP rs2495708317, ClinGen allele CA2739270472.
Genomic context (GRCh38, chr11:63,659,073, plus strand): 5'-TTGAAATAAAATAATTCTATCTTACCTGAGAATATAAGTATCGTAGCATAAAATCCAGAA[T>TG]GAAGGACTTGCCCTTTCGGAAGGCACCAGCCACTGAAACCACCACCACATCAAGATCTCG-3'